The following is an entry in ClinVar:

ClinVar aggregate classification (germline): Uncertain significance. Review status: criteria provided, multiple submitters, no conflicts (2 of 4 stars). 2 submissions from 2 submitters: Uncertain significance (2). Last evaluated 2022-10-29.

Submissions (2):

Labcorp Genetics (formerly Invitae), Labcorp
Classification: Uncertain significance. Last evaluated: 2022-10-29. Review status: criteria provided, single submitter. Criteria: Invitae Variant Classification Sherloc (09022015). Collection method: clinical testing. Allele origin: germline.
Comment: In summary, the available evidence is currently insufficient to determine the role of this variant in disease. Therefore, it has been classified as a Variant of Uncertain Significance. RNA analysis performed to evaluate the impact of this missense change on mRNA splicing indicates it does not significantly alter splicing (Invitae). Advanced modeling of protein sequence and biophysical properties (such as structural, functional, and spatial information, amino acid conservation, physicochemical variation, residue mobility, and thermodynamic stability) performed at Invitae indicates that this missense variant is expected to disrupt FH protein function. ClinVar contains an entry for this variant (Variation ID: 1707320). This variant has not been reported in the literature in individuals affected with FH-related conditions. This variant is not present in population databases (gnomAD no frequency). This sequence change replaces proline, which is neutral and non-polar, with serine, which is neutral and polar, at codon 137 of the FH protein (p.Pro137Ser).

GeneDx
Classification: Uncertain significance. Last evaluated: 2022-03-21. Review status: criteria provided, single submitter. Criteria: GeneDx Variant Classification Process June 2021. Collection method: clinical testing. Allele origin: germline. Affected: yes.
Comment: Not observed at significant frequency in large population cohorts (gnomAD); In silico analysis supports that this missense variant has a deleterious effect on protein structure/function; Has not been previously published as pathogenic or benign to our knowledge

NM_000143.4(FH):c.409C>T (p.Pro137Ser)

Gene: FH (fumarate hydratase; minus strand). Cytogenetic location: 1q43.
Variant type: single nucleotide variant.
Coding change: c.409C>T on transcript NM_000143.4 (MANE Select); coding-DNA position 409, C replaced by T.
Protein change: p.Pro137Ser; replaces proline 137 with serine.
Molecular consequence: missense variant.
Genome position (GRCh38, 1-based): chr1:241,512,113, G>A on the plus strand (C>T on the coding strand, the complement: FH is on the minus strand). VCF-style: chr1-241512113-G-A. GRCh37 (hg19) VCF-style: chr1-241675413-G-A.
Other names: short protein forms P137S.
Identifiers: ClinVar variation 1707320 (VCV001707320.5), dbSNP rs2527332837, ClinGen allele CA345440164.